The following is an entry in ClinVar:

ClinVar aggregate classification (germline): Pathogenic (1 of 4 stars; one submission).

Conditions:
Multiple monogenic benign skin tumours.

Submission:

Genetics Laboratory, Great Ormond Street Hospital NHS Foundation Trust, North Thames Genomic Laboratory Hub
Classification: Pathogenic for Multiple monogenic benign skin tumours. Last evaluated: 2025-08-19. Review status: criteria provided, single submitter. Criteria: CanVIG Consensus Spec V3.0. Collection method: clinical testing. Allele origin: germline. Affected: yes.
Comment: PM2_moderate, PVS1_very-strong

NM_001378743.1(CYLD):c.2108+2T>C

Genes: CYLD (CYLD lysine 63 deubiquitinase; plus strand), CYLD-AS2 (CYLD antisense RNA 2; minus strand). Cytogenetic location: 16q12.1.
Variant type: single nucleotide variant.
Coding change: c.2108+2T>C on transcript NM_001378743.1 (MANE Select); the canonical splice donor site of the intron after coding-DNA position 2108, T replaced by C.
Molecular consequence: splice donor variant.
Genome position (GRCh38, 1-based): chr16:50,787,854, T>C. VCF-style: chr16-50787854-T-C. GRCh37 (hg19) VCF-style: chr16-50821765-T-C.
Other names: c.2108+2T>C (NM_015247.3); c.2099+2T>C (NM_001378745.1, NM_001378744.1, NM_001042355.2 and 6 more transcripts); c.2069+2T>C (NM_001378753.1, NM_001378751.1, NM_001378752.1); c.1433+2T>C (NM_001378754.1, NM_001378755.1).
Identifiers: ClinVar variation 4280673 (VCV004280673.1).